The following is an entry in ClinVar:

ClinVar aggregate classification (germline): Uncertain significance. Review status: criteria provided, multiple submitters, no conflicts (2 of 4 stars). 2 submissions from 2 submitters: Uncertain significance (2). Last evaluated 2026-07-29.

Conditions:
Menke-Hennekam syndrome 1 (MKHK1). Identifiers: MedGen C5193034, MONDO:0020763, OMIM 618332.
Rubinstein-Taybi syndrome due to CREBBP mutations (RSTS1). Also called: RUBINSTEIN-TAYBI SYNDROME 1, INCOMPLETE; BROAD THUMB-HALLUX SYNDROME; RUBINSTEIN SYNDROME; BROAD THUMBS AND GREAT TOES, CHARACTERISTIC FACIES, AND IMPAIRED INTELLECTUAL DEVELOPMENT; Rubinstein-Taybi syndrome 1; CREBBP-Related Rubinstein-Taybi Syndrome. Identifiers: Orphanet 353277, Orphanet 783, MedGen C4551859, MONDO:0008393, OMIM 180849.
CREBBP-related disorder. Also called: CREBBP-related disorders; CREBBP-related condition.

gnomAD v4.1: 4 of 1,613,440 alleles (0.00025%); highest among the groups gnomAD compares: East Asian, 0.0022%; no homozygotes.

Submissions (2):

PreventionGenetics, part of Exact Sciences
Classification: Uncertain significance for CREBBP-related condition. Last evaluated: 2026-07-29. Review status: criteria provided, single submitter. Criteria: ACMG Guidelines, 2015. Collection method: clinical testing. Allele origin: germline.
Comment: The CREBBP c.2566A>G variant is predicted to result in the amino acid substitution p.Thr856Ala. To our knowledge, this variant has not been reported in the literature. This variant is reported in 0.005% of alleles in individuals of East Asian descent in gnomAD. At this time, the clinical significance of this variant is uncertain due to the absence of conclusive functional and genetic evidence.

Fulgent Genetics
Classification: Uncertain significance for Rubinstein-Taybi syndrome due to CREBBP mutations; Menke-Hennekam syndrome 1. Last evaluated: 2024-05-18. Review status: criteria provided, single submitter. Criteria: ACMG Guidelines, 2015. Collection method: clinical testing. Allele origin: germline.

NM_004380.3(CREBBP):c.2566A>G (p.Thr856Ala)

Gene: CREBBP (CREB binding lysine acetyltransferase; minus strand). Cytogenetic location: 16p13.3.
Variant type: single nucleotide variant.
Coding change: c.2566A>G on transcript NM_004380.3 (MANE Select); coding-DNA position 2566, A replaced by G.
Protein change: p.Thr856Ala; replaces threonine 856 with alanine.
Molecular consequence: missense variant.
Genome position (GRCh38, 1-based): chr16:3,770,884, T>C on the plus strand (A>G on the coding strand, the complement: CREBBP is on the minus strand). VCF-style: chr16-3770884-T-C. GRCh37 (hg19) VCF-style: chr16-3820885-T-C.
Other names: c.2566A>G (NM_004380.2); c.2452A>G, p.Thr818Ala (NM_001079846.1); short protein forms T856A, T818A.
Identifiers: ClinVar variation 3580638 (VCV003580638.2).